The following is an entry in ClinVar:

ClinVar aggregate classification (germline): Uncertain significance (1 of 4 stars; one submission).

Allele frequency attached by ClinVar (database versions not stated): TOPMed below 0.00001.

Submission:

GeneDx
Classification: Uncertain significance. Last evaluated: 2017-05-03. Review status: criteria provided, single submitter. Criteria: GeneDx Variant Classification (06012015). Collection method: clinical testing. Allele origin: germline. Affected: yes.
Comment: A variant of uncertain significance has been identified in the PDLIM3 gene. The P150S variant has not been published as pathogenic or been reported as benign to our knowledge. Additionally, this variant is not observed in large population cohorts (Lek et al., 2016; 1000 Genomes Consortium et al., 2015; Exome Variant Server). The P150S variant is a non-conservative amino acid substitution, which is likely to impact secondary protein structure as these residues differ in polarity, charge, size and/or other properties. Furthermore, this substitution occurs at a position that is conserved across species and in silico analysis predicts this variant is probably damaging to the protein structure/function. Nevertheless, this variant has not been observed in a significant number of affected individuals and it lacks both segregation and functional studies which would further clarify its pathogenicity.

NM_014476.6(PDLIM3):c.448C>T (p.Pro150Ser)

Gene: PDLIM3 (PDZ and LIM domain 3; minus strand). Cytogenetic location: 4q35.1.
Variant type: single nucleotide variant.
Coding change: c.448C>T on transcript NM_014476.6 (MANE Select); coding-DNA position 448, C replaced by T.
Protein change: p.Pro150Ser; replaces proline 150 with serine.
Molecular consequence: missense variant. On other transcripts: intron variant (3).
Genome position (GRCh38, 1-based): chr4:185,508,513, G>A on the plus strand (C>T on the coding strand, the complement: PDLIM3 is on the minus strand). VCF-style: chr4-185508513-G-A. GRCh37 (hg19) VCF-style: chr4-186429667-G-A.
Other names: c.162-1861C>T (NM_001257963.2); c.399-1861C>T (NM_001257962.2); c.519-1861C>T (NM_001114107.5); short protein forms P150S.
Identifiers: ClinVar variation 429299 (VCV000429299.2), dbSNP rs1131691306, ClinGen allele CA358924477.